The following is an entry in ClinVar:

ClinVar aggregate classification (germline): Conflicting classifications of pathogenicity. Review status: criteria provided, conflicting classifications (1 of 4 stars). 2 submissions from 2 submitters: Likely pathogenic (1); Uncertain significance (1). Last evaluated 2023-02-20.

Conditions:
RGS9BP-related disorder. Also called: RGS9BP-related condition.

Submissions (2):

Blueprint Genetics
Classification: Likely pathogenic for RGS9BP-related disorders. Last evaluated: 2023-02-20. Review status: criteria provided, single submitter. Criteria: ACMG Guidelines, 2015. Collection method: clinical testing. Allele origin: germline. Affected: yes. Observed: 5 variant alleles.

Labcorp Genetics (formerly Invitae), Labcorp
Classification: Uncertain significance. Last evaluated: 2022-02-10. Review status: criteria provided, single submitter. Criteria: Invitae Variant Classification Sherloc (09022015). Collection method: clinical testing. Allele origin: germline.
Comment: This sequence change results in a frameshift in the RGS9BP gene (p.Phe103Alafs*190). While this is not anticipated to result in nonsense mediated decay, it is expected to disrupt the last 133 amino acid(s) of the RGS9BP protein and extend the protein by 56 additional amino acid residues. The frequency data for this variant in the population databases is considered unreliable, as metrics indicate poor data quality at this position in the gnomAD database. This variant has not been reported in the literature in individuals affected with RGS9BP-related conditions. ClinVar contains an entry for this variant (Variation ID: 861810). Experimental studies and prediction algorithms are not available or were not evaluated, and the functional significance of this variant is currently unknown. In summary, the available evidence is currently insufficient to determine the role of this variant in disease. Therefore, it has been classified as a Variant of Uncertain Significance.

NM_207391.3(RGS9BP):c.307_326del (p.Phe103fs)

Gene: RGS9BP (regulator of G protein signaling 9 binding protein; plus strand). Cytogenetic location: 19q13.11.
Variant type: Deletion.
Coding change: c.307_326del on transcript NM_207391.3 (MANE Select); coding-DNA positions 307 to 326, 20 bases deleted (TTCCCGCTGCACGCGCCGCG).
Protein change: p.Phe103fs; shifts the reading frame from phenylalanine 103.
Molecular consequence: frameshift variant.
Genome position (GRCh38, 1-based): chr19:32,676,570-32,676,589, TTCCCGCTGCACGCGCCGCG deleted; deleting any 20 consecutive bases within chr19:32,676,562-32,676,589 gives the same sequence; the c. name uses the placement nearest the transcript's 3' end. VCF-style (leftmost placement, unchanged base first): chr19-32676561-GGCGCCGCGTTCCCGCTGCAC-G. GRCh37 (hg19) VCF-style: chr19-33167467-GGCGCCGCGTTCCCGCTGCAC-G.
Other names: short protein forms F103fs.
Identifiers: ClinVar variation 861810 (VCV000861810.6), dbSNP rs777756654, ClinGen allele CA9357527.